The following is an entry in ClinVar:

NM_000400.4(ERCC2):c.1119-89G>A

Gene: ERCC2 (ERCC excision repair 2, TFIIH core complex helicase subunit; minus strand). Cytogenetic location: 19q13.32.
Variant type: single nucleotide variant.
Coding change: c.1119-89G>A on transcript NM_000400.4 (MANE Select); 89 bases into the intron before coding-DNA position 1119, G replaced by A.
Molecular consequence: intron variant.
Genome position (GRCh38, 1-based): chr19:45,361,731, C>T on the plus strand (G>A on the coding strand, the complement: ERCC2 is on the minus strand). VCF-style: chr19-45361731-C-T. GRCh37 (hg19) VCF-style: chr19-45864989-C-T.
Other names: c.1047-89G>A (NM_001130867.2).
Identifiers: ClinVar variation 135528 (VCV000135528.1), dbSNP rs577987254, ClinGen allele CA162985.

ClinVar aggregate classification (germline): not provided (0 of 4 stars; one submission).

Allele frequency attached by ClinVar (database versions not stated): gnomAD 0.00017 and 0.00021; TOPMed 0.00028; ExAC 0.00048; gnomAD exomes 0.00048; 1000 Genomes Project 0.00080; 1000 Genomes Project 30x 0.00094.
gnomAD v4.1: 172 of 994,016 alleles (0.017%); highest among the groups gnomAD compares: East Asian, 0.36%; no homozygotes.

Submission:

ITMI
No classification provided. Condition: AllHighlyPenetrant. Last evaluated: 2013-09-19. Review status: no classification provided. Collection method: reference population. Allele origin: germline.
Comment: Please see associated publication for description of ethnicities

Literature cited by the submitters: PubMed 24728327.